The following is an entry in ClinVar:

ClinVar aggregate classification (germline): Uncertain significance (1 of 4 stars; one submission).

Allele frequency attached by ClinVar (database versions not stated): gnomAD exomes 0.00006; ESP Exome Variant Server 0.00015; gnomAD 0.00004.
gnomAD v4.1: 101 of 1,613,892 alleles (0.0063%); highest among the groups gnomAD compares: Non-Finnish European, 0.0078%; no homozygotes.

Submission:

Labcorp Genetics (formerly Invitae), Labcorp
Classification: Uncertain significance. Last evaluated: 2026-01-12. Review status: criteria provided, single submitter. Criteria: Invitae Variant Classification Sherloc (09022015). Collection method: clinical testing. Allele origin: germline.
Comment: This sequence change replaces aspartic acid, which is acidic and polar, with glutamic acid, which is acidic and polar, at codon 10 of the NAA35 protein (p.Asp10Glu). This variant is present in population databases (rs148048804, gnomAD 0.003%). This variant has not been reported in the literature in individuals affected with NAA35-related conditions. ClinVar contains an entry for this variant (Variation ID: 1972848). An algorithm developed to predict the effect of missense changes on protein structure and function (PolyPhen-2) suggests that this variant is likely to be tolerated. In summary, the available evidence is currently insufficient to determine the role of this variant in disease. Therefore, it has been classified as a Variant of Uncertain Significance.

NM_024635.4(NAA35):c.30C>G (p.Asp10Glu)

Gene: NAA35 (N-alpha-acetyltransferase 35, NatC auxiliary subunit; plus strand). Cytogenetic location: 9q21.33.
Variant type: single nucleotide variant.
Coding change: c.30C>G on transcript NM_024635.4 (MANE Select); coding-DNA position 30, C replaced by G.
Protein change: p.Asp10Glu; replaces aspartic acid 10 with glutamic acid.
Molecular consequence: missense variant.
Genome position (GRCh38, 1-based): chr9:85,942,189, C>G. VCF-style: chr9-85942189-C-G. GRCh37 (hg19) VCF-style: chr9-88557104-C-G.
Other names: c.30C>G, p.Asp10Glu (NM_001321881.2, NM_001321882.2); short protein forms D10E.
Identifiers: ClinVar variation 1972848 (VCV001972848.5), dbSNP rs148048804, ClinGen allele CA196028038.
Genomic context (GRCh38, chr9:85,942,189, plus strand): 5'-CTCTTACATCAGTATTAATTTTACAGGCATAATGGTTATGAAAGCTTCTGTAGATGATGA[C>G]GATTCAGGATGGGAGCTCAGTATGCCAGAAAAAATGGAGAAAAGCAATACAAACTGGGTG-3'
Protein context (NP_078911.3, residues 1-20): MVMKASVDD[Asp10Glu]DSGWELSMPE